The following is an entry in ClinVar:

ClinVar aggregate classification (germline): Uncertain significance. Review status: criteria provided, multiple submitters, no conflicts (2 of 4 stars). 2 submissions from 2 submitters: Uncertain significance (2). Last evaluated 2024-03-17.

Conditions:
Charcot-Marie-Tooth disease type 4. Also called: Charcot-Marie-Tooth disease, type IV; Charcot-Marie-Tooth, Type 4. Identifiers: Orphanet 64749, MedGen C4082197, MONDO:0018995.

Submissions (2):

Labcorp Genetics (formerly Invitae), Labcorp
Classification: Uncertain significance for Charcot-Marie-Tooth disease type 4. Last evaluated: 2024-03-17. Review status: criteria provided, single submitter. Criteria: Invitae Variant Classification Sherloc (09022015). Collection method: clinical testing. Allele origin: germline.
Comment: This sequence change replaces glutamine, which is neutral and polar, with proline, which is neutral and non-polar, at codon 622 of the SH3TC2 protein (p.Gln622Pro). This variant is not present in population databases (gnomAD no frequency). This missense change has been observed in individual(s) with clinical features of hereditary neuropathy (PMID: 28902413). Advanced modeling of protein sequence and biophysical properties (such as structural, functional, and spatial information, amino acid conservation, physicochemical variation, residue mobility, and thermodynamic stability) performed at Invitae indicates that this missense variant is not expected to disrupt SH3TC2 protein function with a negative predictive value of 95%. In summary, the available evidence is currently insufficient to determine the role of this variant in disease. Therefore, it has been classified as a Variant of Uncertain Significance.

CeGaT Center for Human Genetics Tuebingen
Classification: Uncertain significance. Last evaluated: 2023-12-01. Review status: criteria provided, single submitter. Criteria: CeGaT Center For Human Genetics Tuebingen Variant Classification Criteria Version 2. Collection method: clinical testing. Allele origin: germline. Affected: yes. Observed: 1 variant allele.
Comment: SH3TC2: PM2, PM3:Supporting, BP4

Literature cited by the submitters: PubMed 28902413 (cited by Labcorp Genetics (formerly Invitae), Labcorp).

NM_024577.4(SH3TC2):c.1865A>C (p.Gln622Pro)

Gene: SH3TC2 (SH3 domain and tetratricopeptide repeats 2; minus strand). Cytogenetic location: 5q32.
Variant type: single nucleotide variant.
Coding change: c.1865A>C on transcript NM_024577.4 (MANE Select); coding-DNA position 1865, A replaced by C.
Protein change: p.Gln622Pro; replaces glutamine 622 with proline.
Molecular consequence: missense variant.
Genome position (GRCh38, 1-based): chr5:149,027,867, T>G on the plus strand (A>C on the coding strand, the complement: SH3TC2 is on the minus strand). VCF-style: chr5-149027867-T-G. GRCh37 (hg19) VCF-style: chr5-148407430-T-G.
Other names: short protein forms Q622P.
Identifiers: ClinVar variation 3025225 (VCV003025225.24), dbSNP rs2531773070, ClinGen allele CA361667568.